The following is an entry in ClinVar:

ClinVar aggregate classification (germline): Uncertain significance (1 of 4 stars; one submission).

Allele frequency attached by ClinVar (database versions not stated): TOPMed below 0.00001; ExAC 0.00001; gnomAD 0.00001; gnomAD exomes 0.00001.
gnomAD v4.1: 13 of 1,610,608 alleles (0.00081%); highest among the groups gnomAD compares: Middle Eastern, 0.016%; no homozygotes.

Submission:

Labcorp Genetics (formerly Invitae), Labcorp
Classification: Uncertain significance. Last evaluated: 2025-06-12. Review status: criteria provided, single submitter. Criteria: Invitae Variant Classification Sherloc (09022015). Collection method: clinical testing. Allele origin: germline.
Comment: This sequence change replaces aspartic acid, which is acidic and polar, with asparagine, which is neutral and polar, at codon 102 of the NUP133 protein (p.Asp102Asn). This variant is present in population databases (rs780588731, gnomAD 0.007%). This variant has not been reported in the literature in individuals affected with NUP133-related conditions. ClinVar contains an entry for this variant (Variation ID: 1976841). An algorithm developed to predict the effect of missense changes on protein structure and function (PolyPhen-2) suggests that this variant is likely to be disruptive. In summary, the available evidence is currently insufficient to determine the role of this variant in disease. Therefore, it has been classified as a Variant of Uncertain Significance.

NM_018230.3(NUP133):c.304G>A (p.Asp102Asn)

Gene: NUP133 (nucleoporin 133; minus strand). Cytogenetic location: 1q42.13.
Variant type: single nucleotide variant.
Coding change: c.304G>A on transcript NM_018230.3 (MANE Select); coding-DNA position 304, G replaced by A.
Protein change: p.Asp102Asn; replaces aspartic acid 102 with asparagine.
Molecular consequence: missense variant.
Genome position (GRCh38, 1-based): chr1:229,502,100, C>T on the plus strand (G>A on the coding strand, the complement: NUP133 is on the minus strand). VCF-style: chr1-229502100-C-T. GRCh37 (hg19) VCF-style: chr1-229637847-C-T.
Other names: short protein forms D102N.
Identifiers: ClinVar variation 1976841 (VCV001976841.5), dbSNP rs780588731, ClinGen allele CA1443862.